The following is an entry in ClinVar:

NM_001267550.2(TTN):c.38465-8C>A

Gene: TTN (titin; minus strand). Cytogenetic location: 2q31.2.
Variant type: single nucleotide variant.
Coding change: c.38465-8C>A on transcript NM_001267550.2 (MANE Select); 8 bases into the intron before coding-DNA position 38465, C replaced by A.
Molecular consequence: intron variant.
Genome position (GRCh38, 1-based): chr2:178,653,905, G>T on the plus strand (C>A on the coding strand, the complement: TTN is on the minus strand). VCF-style: chr2-178653905-G-T. GRCh37 (hg19) VCF-style: chr2-179518632-G-T.
Other names: c.13283-11588C>A (NM_003319.4); c.13859-11588C>A (NM_133437.4); c.13658-11588C>A (NM_133432.3); c.31742-1364C>A (NM_133378.4); c.34523-1364C>A (NM_001256850.1).
Identifiers: ClinVar variation 467094 (VCV000467094.7), dbSNP rs937031915, ClinGen allele CA60971239.

ClinVar aggregate classification (germline): Uncertain significance. Review status: criteria provided, multiple submitters, no conflicts (2 of 4 stars). 2 submissions from 2 submitters: Uncertain significance (2). Last evaluated 2026-01-01.

Conditions:
Dilated cardiomyopathy 1G (CMD1G). Identifiers: Orphanet 154, MedGen C1858763, MONDO:0011400, OMIM 604145.
Autosomal recessive limb-girdle muscular dystrophy type 2J (LGMDR10). Also called: Limb-girdle muscular dystrophy, type 2J; MUSCULAR DYSTROPHY, LIMB-GIRDLE, AUTOSOMAL RECESSIVE 10. Identifiers: Orphanet 140922, MedGen C1837342, MONDO:0012127, OMIM 608807.

Submissions (2):

CeGaT Center for Human Genetics Tuebingen
Classification: Uncertain significance. Last evaluated: 2026-01-01. Review status: criteria provided, single submitter. Criteria: CeGaT Center For Human Genetics Tuebingen Variant Classification Criteria Version 2. Collection method: clinical testing. Allele origin: germline. Affected: yes. Observed: 1 variant allele.
Comment: TTN: PM2, BP4

Labcorp Genetics (formerly Invitae), Labcorp
Classification: Uncertain significance for Dilated cardiomyopathy 1G; Autosomal recessive limb-girdle muscular dystrophy type 2J. Last evaluated: 2017-07-11. Review status: criteria provided, single submitter. Criteria: Invitae Variant Classification Sherloc (09022015). Collection method: clinical testing. Allele origin: germline.